The following is an entry in ClinVar:

ClinVar aggregate classification (germline): Uncertain significance. Review status: criteria provided, multiple submitters, no conflicts (2 of 4 stars). 2 submissions from 2 submitters: Uncertain significance (2). Last evaluated 2025-09-14.

Conditions:
Hereditary cancer-predisposing syndrome. Also called: Hereditary Cancer Syndrome; Hereditary neoplastic syndrome; Neoplastic Syndromes, Hereditary; Tumor predisposition. Identifiers: Orphanet 140162, MedGen C0027672, MeSH D009386, MONDO:0015356.

gnomAD v4.1: 3 of 1,614,044 alleles (0.00019%); highest among the groups gnomAD compares: Non-Finnish European, 0.00025%; no homozygotes.

Submissions (2):

Labcorp Genetics (formerly Invitae), Labcorp
Classification: Uncertain significance. Last evaluated: 2025-09-14. Review status: criteria provided, single submitter. Criteria: Invitae Variant Classification Sherloc (09022015). Collection method: clinical testing. Allele origin: germline.
Comment: This sequence change replaces leucine, which is neutral and non-polar, with phenylalanine, which is neutral and non-polar, at codon 2044 of the POLE protein (p.Leu2044Phe). This variant is not present in population databases (gnomAD no frequency). This variant has not been reported in the literature in individuals affected with POLE-related conditions. ClinVar contains an entry for this variant (Variation ID: 405665). Invitae Evidence Modeling of protein sequence and biophysical properties (such as structural, functional, and spatial information, amino acid conservation, physicochemical variation, residue mobility, and thermodynamic stability) indicates that this missense variant is not expected to disrupt POLE protein function with a negative predictive value of 80%. In summary, the available evidence is currently insufficient to determine the role of this variant in disease. Therefore, it has been classified as a Variant of Uncertain Significance.

Ambry Genetics
Classification: Uncertain significance for Hereditary cancer-predisposing syndrome. Last evaluated: 2023-12-15. Review status: criteria provided, single submitter. Criteria: Ambry Variant Classification Scheme 2023. Collection method: clinical testing. Allele origin: germline.
Comment: The p.L2044F variant (also known as c.6130C>T), located in coding exon 44 of the POLE gene, results from a C to T substitution at nucleotide position 6130. The leucine at codon 2044 is replaced by phenylalanine, an amino acid with highly similar properties. This amino acid position is conserved. In addition, this alteration is predicted to be tolerated by in silico analysis. Since supporting evidence is limited at this time, the clinical significance of this alteration remains unclear.

NM_006231.4(POLE):c.6130C>T (p.Leu2044Phe)

Gene: POLE (DNA polymerase epsilon, catalytic subunit; minus strand). Cytogenetic location: 12q24.33.
Variant type: single nucleotide variant.
Coding change: c.6130C>T on transcript NM_006231.4 (MANE Select); coding-DNA position 6130, C replaced by T.
Protein change: p.Leu2044Phe; replaces leucine 2044 with phenylalanine.
Molecular consequence: missense variant.
Genome position (GRCh38, 1-based): chr12:132,632,670, G>A on the plus strand (C>T on the coding strand, the complement: POLE is on the minus strand). VCF-style: chr12-132632670-G-A. GRCh37 (hg19) VCF-style: chr12-133209256-G-A.
Other names: short protein forms L2044F.
Identifiers: ClinVar variation 405665 (VCV000405665.11), dbSNP rs1060500801, ClinGen allele CA16613544.